The following is an entry in ClinVar:

ClinVar aggregate classification (germline): Likely benign. Review status: criteria provided, single submitter (1 of 4 stars). 2 submissions from 2 submitters: Likely benign (1). 1 of the submissions does not count toward it. Last evaluated 2022-12-15.

Conditions:
CSF2RA-related disorder. Also called: CSF2RA-related condition.
Surfactant metabolism dysfunction, pulmonary, 4 (SMDP4). Also called: CSF2RA DEFICIENCY; PAP DUE TO CSF2RA DEFICIENCY; PULMONARY ALVEOLAR PROTEINOSIS, CONGENITAL, 4. Identifiers: Orphanet 264675, MedGen C2677877, MONDO:0010424, OMIM 300770.

Allele frequency attached by ClinVar (database versions not stated): gnomAD 0.00001 and 0.00002; gnomAD exomes 0.00001 and 0.00004; ExAC 0.00002.
gnomAD v4.1: 21 of 1,613,460 alleles (0.0013%); highest among the groups gnomAD compares: Admixed American, 0.01%; no homozygotes.

Submissions (2):

Labcorp Genetics (formerly Invitae), Labcorp
Classification: Likely benign for Surfactant metabolism dysfunction, pulmonary, 4. Last evaluated: 2022-12-15. Review status: criteria provided, single submitter. Criteria: Invitae Variant Classification Sherloc (09022015). Collection method: clinical testing. Allele origin: germline.

PreventionGenetics, part of Exact Sciences
Classification: Likely benign for CSF2RA-related condition. Last evaluated: 2022-12-22. Review status: no assertion criteria provided. Collection method: clinical testing. Allele origin: germline. Not counted in ClinVar's aggregate classification.
Comment: This variant is classified as likely benign based on ACMG/AMP sequence variant interpretation guidelines (Richards et al. 2015 PMID: 25741868, with internal and published modifications).

NM_172245.4(CSF2RA):c.954C>T (p.Asp318=)

Gene: CSF2RA (colony stimulating factor 2 receptor subunit alpha; plus strand). Cytogenetic location: Xp22.33.
Variant type: single nucleotide variant.
Coding change: c.954C>T on transcript NM_172245.4 (MANE Select); coding-DNA position 954, C replaced by T.
Protein change: p.Asp318=; no amino-acid change (aspartic acid 318 retained).
Molecular consequence: synonymous variant. On other transcripts: non-coding transcript variant (1), intron variant (7).
Genome position (GRCh38, 1-based): chrX:1,303,930, C>T. VCF-style: chrX-1303930-C-T. GRCh37 (hg19) VCF-style: chrX-1422823-C-T.
Other names: c.954C>T (NM_006140.4); c.954C>T, p.Asp318= (NM_001161529.2, NM_001161531.2, NM_001379155.1 and 9 more transcripts); c.1056C>T, p.Asp352= (NM_001161530.2, NM_001379153.1, NM_001379154.1); c.555C>T, p.Asp185= (NM_001161532.2); c.924C>T, p.Asp308= (NM_001379160.1); c.947-1516C>T (NM_001379167.1, NM_001379169.1, NM_172247.3 and 1 more transcripts); c.946+3304C>T (NM_172246.4); c.647-1516C>T (NM_172249.4); and 1 more.
Identifiers: ClinVar variation 1595846 (VCV001595846.11), dbSNP rs759952133, ClinGen allele CA10331121.